The following is an entry in ClinVar:

ClinVar aggregate classification (germline): Likely benign. Review status: criteria provided, multiple submitters, no conflicts (2 of 4 stars). 3 submissions from 3 submitters: Likely benign (2). 1 of the submissions does not count toward it. Last evaluated 2025-10-01.

Conditions:
Familial hypocalciuric hypercalcemia (FHH). Also called: Familial benign hypercalcemia. Identifiers: Orphanet 405, MedGen C1809471, MONDO:0018458.
Autosomal dominant hypocalcemia 1 (HYPOC1). Also called: HYPOCALCEMIA, FAMILIAL. Identifiers: MedGen C3715128, MONDO:0011013, OMIM 601198.
CASR-related disorder. Also called: CASR-related condition.
Nephrolithiasis/nephrocalcinosis. Identifiers: MedGen CN580796.

Allele frequency attached by ClinVar (database versions not stated): TOPMed 0.00003.
gnomAD v4.1: 44 of 1,614,038 alleles (0.0027%); highest among the groups gnomAD compares: Non-Finnish European, 0.0032%; no homozygotes.

Submissions (3):

Labcorp Genetics (formerly Invitae), Labcorp
Classification: Likely benign for Familial hypocalciuric hypercalcemia; Autosomal dominant hypocalcemia 1. Last evaluated: 2025-10-01. Review status: criteria provided, single submitter. Criteria: Invitae Variant Classification Sherloc (09022015). Collection method: clinical testing. Allele origin: germline.

Ambry Genetics
Classification: Likely benign for Nephrolithiasis/nephrocalcinosis. Last evaluated: 2022-02-15. Review status: criteria provided, single submitter. Criteria: Ambry Variant Classification Scheme 2023. Collection method: clinical testing. Allele origin: germline.

PreventionGenetics, part of Exact Sciences
Classification: Likely benign for CASR-related condition. Last evaluated: 2020-12-15. Review status: no assertion criteria provided. Collection method: clinical testing. Allele origin: germline. Not counted in ClinVar's aggregate classification.
Comment: This variant is classified as likely benign based on ACMG/AMP sequence variant interpretation guidelines (Richards et al. 2015 PMID: 25741868, with internal and published modifications).

NM_000388.4(CASR):c.309C>T (p.Thr103=)

Gene: CASR (calcium sensing receptor; plus strand). Cytogenetic location: 3q21.1.
Variant type: single nucleotide variant.
Coding change: c.309C>T on transcript NM_000388.4 (MANE Select); coding-DNA position 309, C replaced by T.
Protein change: p.Thr103=; no amino-acid change (threonine 103 retained).
Molecular consequence: synonymous variant.
Genome position (GRCh38, 1-based): chr3:122,257,204, C>T. VCF-style: chr3-122257204-C-T. GRCh37 (hg19) VCF-style: chr3-121976051-C-T.
Other names: c.309C>T, p.Thr103= (NM_001178065.2); c.309C>T (NM_001178065.1).
Identifiers: ClinVar variation 532631 (VCV000532631.16), dbSNP rs373057548, ClinGen allele CA2569459.